The following is an entry in ClinVar:

NM_001326411.2(PISD):c.65+6G>A

Genes: PISD (phosphatidylserine decarboxylase; minus strand), LOC126863123 (P300/CBP strongly-dependent group 1 enhancer GRCh37_chr22:32057235-32058434; plus strand). Cytogenetic location: 22q12.2.
Variant type: single nucleotide variant.
Coding change: c.65+6G>A on transcript NM_001326411.2 (MANE Select); 6 bases into the intron after coding-DNA position 65, G replaced by A.
Molecular consequence: intron variant.
Genome position (GRCh38, 1-based): chr22:31,662,138, C>T on the plus strand (G>A on the coding strand, the complement: PISD is on the minus strand). VCF-style: chr22-31662138-C-T. GRCh37 (hg19) VCF-style: chr22-32058124-C-T.
Other names: c.65+6G>A (NM_001326412.1, NM_001326421.1); c.-36+6G>A (NM_001326420.2, NM_001326418.2); c.-85+6G>A (NM_001326413.2); c.-378+6G>A (NM_001326415.2); c.-165+6G>A (NM_001326414.2); c.-458+6G>A (NM_001326419.2, NM_001326417.2); c.-567+6G>A (NM_001326416.2).
Identifiers: ClinVar variation 1503618 (VCV001503618.3), dbSNP rs940293066, ClinGen allele CA323346020.

ClinVar aggregate classification (germline): Uncertain significance (1 of 4 stars; one submission).

Allele frequency attached by ClinVar (database versions not stated): gnomAD exomes below 0.00001; gnomAD 0.00007 and 0.00008; TOPMed 0.00009.
gnomAD v4.1: 13 of 1,607,402 alleles (0.00081%); highest among the groups gnomAD compares: African/African-American, 0.0093%; no homozygotes.

Submission:

Labcorp Genetics (formerly Invitae), Labcorp
Classification: Uncertain significance. Last evaluated: 2022-10-17. Review status: criteria provided, single submitter. Criteria: Invitae Variant Classification Sherloc (09022015). Collection method: clinical testing. Allele origin: germline.
Comment: This sequence change falls in intron 1 of the PISD gene. It does not directly change the encoded amino acid sequence of the PISD protein. It affects a nucleotide within the consensus splice site. This variant is present in population databases (no rsID available, gnomAD 0.03%). This variant has not been reported in the literature in individuals affected with PISD-related conditions. ClinVar contains an entry for this variant (Variation ID: 1503618). Variants that disrupt the consensus splice site are a relatively common cause of aberrant splicing (PMID: 17576681, 9536098). Algorithms developed to predict the effect of sequence changes on RNA splicing suggest that this variant is not likely to affect RNA splicing. In summary, the available evidence is currently insufficient to determine the role of this variant in disease. Therefore, it has been classified as a Variant of Uncertain Significance.

Literature cited by the submitters: PubMed 17576681; PubMed 9536098.